The following is an entry in ClinVar:

ClinVar aggregate classification (germline): Conflicting classifications of pathogenicity. Review status: criteria provided, conflicting classifications (1 of 4 stars). 2 submissions from 2 submitters: Uncertain significance (1); Likely benign (1). Last evaluated 2025-07-16.

Conditions:
Cardiovascular phenotype. Identifiers: MedGen CN230736.
Hereditary cancer-predisposing syndrome. Also called: Neoplastic Syndromes, Hereditary; Tumor predisposition; Hereditary Cancer Syndrome; Hereditary neoplastic syndrome. Identifiers: Orphanet 140162, MedGen C0027672, MeSH D009386, MONDO:0015356.
Neurofibromatosis, type 1 (NF1). Also called: VON RECKLINGHAUSEN DISEASE; NEUROFIBROMATOSIS, TYPE I, SOMATIC; Neurofibromatosis, type I; Peripheral type neurofibromatosis. Identifiers: Orphanet 636, MedGen C0027831, MONDO:0018975, OMIM 162200. Disease mechanism: loss of function.

Submissions (2):

Ambry Genetics
Classification: Likely benign for Cardiovascular phenotype; Hereditary cancer-predisposing syndrome. Last evaluated: 2025-07-16. Review status: criteria provided, single submitter. Criteria: Ambry Variant Classification Scheme 2023. Collection method: clinical testing. Allele origin: germline.

Labcorp Genetics (formerly Invitae), Labcorp
Classification: Uncertain significance for Neurofibromatosis, type 1. Last evaluated: 2024-11-26. Review status: criteria provided, single submitter. Criteria: Invitae Variant Classification Sherloc (09022015). Collection method: clinical testing. Allele origin: germline.
Comment: This sequence change replaces threonine, which is neutral and polar, with isoleucine, which is neutral and non-polar, at codon 2738 of the NF1 protein (p.Thr2738Ile). This variant is not present in population databases (gnomAD no frequency). This variant has not been reported in the literature in individuals affected with NF1-related conditions. ClinVar contains an entry for this variant (Variation ID: 2176819). Invitae Evidence Modeling of protein sequence and biophysical properties (such as structural, functional, and spatial information, amino acid conservation, physicochemical variation, residue mobility, and thermodynamic stability) indicates that this missense variant is not expected to disrupt NF1 protein function with a negative predictive value of 95%. In summary, the available evidence is currently insufficient to determine the role of this variant in disease. Therefore, it has been classified as a Variant of Uncertain Significance.

NM_001042492.3(NF1):c.8276C>T (p.Thr2759Ile)

Gene: NF1 (neurofibromin 1; plus strand). Cytogenetic location: 17q11.2.
Variant type: single nucleotide variant.
Coding change: c.8276C>T on transcript NM_001042492.3 (MANE Select); coding-DNA position 8276, C replaced by T.
Protein change: p.Thr2759Ile; replaces threonine 2759 with isoleucine.
Molecular consequence: missense variant.
Genome position (GRCh38, 1-based): chr17:31,360,602, C>T. VCF-style: chr17-31360602-C-T. GRCh37 (hg19) VCF-style: chr17-29687620-C-T.
Other names: c.8213C>T, p.Thr2738Ile (NM_000267.4); short protein forms T2738I, T2759I.
Identifiers: ClinVar variation 2176819 (VCV002176819.5), dbSNP rs2151588017, ClinGen allele CA399204792.